The following is an entry in ClinVar:

NM_022455.5(NSD1):c.2619_2623del (p.Glu874fs)

Gene: NSD1 (nuclear receptor binding SET domain protein 1; plus strand). Cytogenetic location: 5q35.3.
Variant type: Deletion.
Coding change: c.2619_2623del on transcript NM_022455.5 (MANE Select); coding-DNA positions 2619 to 2623, 5 bases deleted (TGAGG; older notation c.2619_2623delTGAGG).
Protein change: p.Glu874fs; shifts the reading frame from glutamic acid 874.
Molecular consequence: frameshift variant.
Genome position (GRCh38, 1-based): chr5:177,211,018-177,211,022, TGAGG deleted; deleting any 5 consecutive bases within chr5:177,211,015-177,211,022 gives the same sequence; the c. name uses the placement nearest the transcript's 3' end. VCF-style (leftmost placement, unchanged base first): chr5-177211014-TAGGTG-T. GRCh37 (hg19) VCF-style: chr5-176638015-TAGGTG-T.
Other names: c.1746_1750delTGAGG, p.Glu583Cysfs (NM_001365684.2, NM_001409306.1, NM_001409307.1 and 3 more transcripts); c.2619_2623delTGAGG, p.Glu874Cysfs (NM_001409301.1, NM_001409302.1, NM_001409303.1); c.2199_2203delTGAGG, p.Glu734Cysfs (NM_001409304.1); c.1866_1870delTGAGG, p.Glu623Cysfs (NM_001409305.1); short protein forms E605fs, E874fs.
Identifiers: ClinVar variation 407360 (VCV000407360.6), dbSNP rs1060501490, ClinGen allele CA16611845.

ClinVar aggregate classification (germline): Pathogenic. Review status: criteria provided, single submitter (1 of 4 stars). 2 submissions from 1 submitter: Pathogenic (2). Last evaluated 2016-11-14.

Conditions:
Sotos syndrome (SOTOS). Also called: CEREBRAL GIGANTISM; Sotos' syndrome; Distinctive facial appearance, overgrowth in childhood, and learning disabilities or delayed development; CHROMOSOME 5q35 DELETION SYNDROME; SOTOS SYNDROME 1. Identifiers: Orphanet 821, MedGen C0175695, MONDO:0019349, OMIM 117550.
Beckwith-Wiedemann syndrome (BWS). Also called: Exomphalos macroglossia gigantism syndrome; EMG SYNDROME. Identifiers: Orphanet 116, MedGen C0004903, MONDO:0007534, OMIM 130650.

Submissions (2):

Labcorp Genetics (formerly Invitae), Labcorp
Classification: Pathogenic for Beckwith-Wiedemann syndrome. Last evaluated: 2016-11-14. Review status: criteria provided, single submitter. Criteria: Invitae Variant Classification Sherloc (09022015). Collection method: clinical testing. Allele origin: germline.
Comment: This sequence change deletes 4 nucleotides from exon 5 of the NSD1 mRNA (c.2619_2623delTGAGG), causing a frameshift at codon 874. This creates a premature translational stop signal (p.Glu874Cysfs*3) and is expected to result in an absent or disrupted protein product. While this particular variant has not been reported in the literature, truncating variants in NSD1 are known to be pathogenic (PMID: 12807965, 15942875, 17565729). For these reasons, this variant has been classified as Pathogenic.

Labcorp Genetics (formerly Invitae), Labcorp
Classification: Pathogenic. Last evaluated: 2016-11-14. Review status: criteria provided, single submitter. Criteria: Invitae Variant Classification Sherloc (09022015). Collection method: clinical testing. Allele origin: germline.
Comment: the same text as in the submission from Labcorp Genetics (formerly Invitae), Labcorp above.

Literature cited by the submitters: PubMed 12807965; PubMed 15942875; PubMed 17565729.